The following is an entry in ClinVar:

ClinVar aggregate classification (germline): Pathogenic (1 of 4 stars; one submission).

Submission:

Clinical Genomics Laboratory, Laboratory for Precision Diagnostics, University of Washington
Classification: Pathogenic. Last evaluated: 2018-02-07. Review status: criteria provided, single submitter. Criteria: Clinical Cytogenomics Laboratory Policy on CNV Interpretation. Collection method: clinical testing. Allele origin: unknown. Affected: yes. Observed: 1 variant allele.

Literature cited by the submitters: PubMed 20598055; PubMed 18925676.

GRCh37/hg19 Xp22.33-22.31(chrX:60814-6043278)x0

Genes: ARSD (arylsulfatase D; minus strand), ARSD-AS1 (ARSD antisense RNA 1; plus strand), ARSF (arylsulfatase F; plus strand), ARSH (arylsulfatase family member H; plus strand), ARSL (arylsulfatase L; minus strand) and 5 more. Cytogenetic location: Xp22.33-22.31.
Variant type: copy number loss.
Change: copy number 0 of chrX:60,814-6,043,278 (5.98 Mb, GRCh37 coordinates, 1-based), cytogenetic band Xp22.33-22.31.
Identifiers: ClinVar variation 816485 (VCV000816485.2).